The following is an entry in ClinVar:

ClinVar aggregate classification (germline): Uncertain significance (1 of 4 stars; one submission).

Conditions:
Autosomal recessive spastic paraplegia type 78. Identifiers: Orphanet 513436, MedGen C5567893, MONDO:0014975, OMIM 617225.
Kufor-Rakeb syndrome (KRS). Also called: PARKINSON DISEASE 9, AUTOSOMAL RECESSIVE, JUVENILE-ONSET. Identifiers: Orphanet 306674, Orphanet 314632, MedGen C1847640, MONDO:0011706, OMIM 606693.

Allele frequency attached by ClinVar (database versions not stated): TOPMed below 0.00001; ExAC 0.00001; gnomAD exomes 0.00001.

Submission:

Labcorp Genetics (formerly Invitae), Labcorp
Classification: Uncertain significance for Kufor-Rakeb syndrome; Autosomal recessive spastic paraplegia type 78. Last evaluated: 2021-12-02. Review status: criteria provided, single submitter. Criteria: Invitae Variant Classification Sherloc (09022015). Collection method: clinical testing. Allele origin: germline.
Comment: This sequence change replaces glutamic acid, which is acidic and polar, with lysine, which is basic and polar, at codon 114 of the ATP13A2 protein (p.Glu114Lys). This variant is present in population databases (rs757224113, gnomAD 0.003%). This variant has not been reported in the literature in individuals affected with ATP13A2-related conditions. Advanced modeling of protein sequence and biophysical properties (such as structural, functional, and spatial information, amino acid conservation, physicochemical variation, residue mobility, and thermodynamic stability) performed at Invitae indicates that this missense variant is not expected to disrupt ATP13A2 protein function. In summary, the available evidence is currently insufficient to determine the role of this variant in disease. Therefore, it has been classified as a Variant of Uncertain Significance.

NM_022089.4(ATP13A2):c.340G>A (p.Glu114Lys)

Gene: ATP13A2 (ATPase cation transporting 13A2; minus strand). Cytogenetic location: 1p36.13.
Variant type: single nucleotide variant.
Coding change: c.340G>A on transcript NM_022089.4 (MANE Select); coding-DNA position 340, G replaced by A.
Protein change: p.Glu114Lys; replaces glutamic acid 114 with lysine.
Molecular consequence: missense variant.
Genome position (GRCh38, 1-based): chr1:17,005,021, C>T on the plus strand (G>A on the coding strand, the complement: ATP13A2 is on the minus strand). VCF-style: chr1-17005021-C-T. GRCh37 (hg19) VCF-style: chr1-17331516-C-T.
Other names: c.340G>A, p.Glu114Lys (NM_001141973.3, NM_001141974.3); short protein forms E114K.
Identifiers: ClinVar variation 1520997 (VCV001520997.5), dbSNP rs757224113, ClinGen allele CA637683.